The following is an entry in ClinVar:

NC_000009.11:g.(?_21968228)_(21968346_?)dup

Gene: CDKN2A (cyclin dependent kinase inhibitor 2A; minus strand). Cytogenetic location: 9p21.3.
Variant type: Duplication.
Identifiers: ClinVar variation 1006674 (VCV001006674.8).

ClinVar aggregate classification (germline): Uncertain significance (1 of 4 stars; one submission).

Conditions:
Familial melanoma. Also called: Hereditary cutaneous melanoma; Hereditary melanoma. Identifiers: Orphanet 618, MedGen C1512419, MONDO:0018961.

Submission:

Labcorp Genetics (formerly Invitae), Labcorp
Classification: Uncertain significance for Familial melanoma. Last evaluated: 2024-01-05. Review status: criteria provided, single submitter. Criteria: Invitae Variant Classification Sherloc (09022015). Collection method: clinical testing. Allele origin: germline.
Comment: This variant results in a copy number gain of the genomic region encompassing exon(s) 3 of the CDKN2A (p16INK4a) gene. This region includes the termination codon of the gene. This copy number gain extends beyond the assayed region for this gene and therefore may encompass additional genes. As the precise location of this event is unknown, it may be in tandem or it may be located elsewhere in the genome. This variant has not been reported in the literature in individuals affected with CDKN2A (p16INK4a)-related conditions. Experimental studies and prediction algorithms are not available or were not evaluated, and the functional significance of this variant is currently unknown. In summary, the available evidence is currently insufficient to determine the role of this variant in disease. Therefore, it has been classified as a Variant of Uncertain Significance.